The following is an entry in ClinVar:

ClinVar aggregate classification (germline): Uncertain significance (1 of 4 stars; one submission).

Conditions:
Diamond-Blackfan anemia. Also called: Blackfan Diamond syndrome; Aregenerative anemia chronic congenital; Red cell aplasia, pure hereditary; Congenital hypoplastic anemia; Aase syndrome. Identifiers: Orphanet 124, MedGen C1260899, MeSH D029503, MONDO:0015253, HP:0004810.

Allele frequency attached by ClinVar (database versions not stated): TOPMed 0.00001.

Submission:

Labcorp Genetics (formerly Invitae), Labcorp
Classification: Uncertain significance for Diamond-Blackfan anemia. Last evaluated: 2025-09-01. Review status: criteria provided, single submitter. Criteria: Invitae Variant Classification Sherloc (09022015). Collection method: clinical testing. Allele origin: germline.
Comment: This sequence change replaces isoleucine, which is neutral and non-polar, with phenylalanine, which is neutral and non-polar, at codon 118 of the RPL26 protein (p.Ile118Phe). This variant is present in population databases (no rsID available, gnomAD 0.006%). This variant has not been reported in the literature in individuals affected with RPL26-related conditions. ClinVar contains an entry for this variant (Variation ID: 1945167). An algorithm developed to predict the effect of missense changes on protein structure and function (PolyPhen-2) suggests that this variant is likely to be disruptive. In summary, the available evidence is currently insufficient to determine the role of this variant in disease. Therefore, it has been classified as a Variant of Uncertain Significance.

NM_000987.5(RPL26):c.352A>T (p.Ile118Phe)

Gene: RPL26 (ribosomal protein L26; minus strand). Cytogenetic location: 17p13.1.
Variant type: single nucleotide variant.
Coding change: c.352A>T on transcript NM_000987.5 (MANE Select); coding-DNA position 352, A replaced by T.
Protein change: p.Ile118Phe; replaces isoleucine 118 with phenylalanine.
Molecular consequence: missense variant.
Genome position (GRCh38, 1-based): chr17:8,377,650, T>A on the plus strand (A>T on the coding strand, the complement: RPL26 is on the minus strand). VCF-style: chr17-8377650-T-A. GRCh37 (hg19) VCF-style: chr17-8280968-T-A.
Other names: c.352A>T, p.Ile118Phe (NM_001315530.2, NM_001315531.2); short protein forms I118F.
Identifiers: ClinVar variation 1945167 (VCV001945167.5), dbSNP rs1325509343, ClinGen allele CA398012761.
Genomic context (GRCh38, chr17:8,377,650, plus strand): 5'-CTTCCTTGTATTTGCCCTTTTCCTTTCCTACTTGGCGAGATTTGGCTTTCCGTTCGAGGA[T>A]CTTTTTGCGGTCTTTGTCCAGTTTTAGCCTAGTGATAACCACCTGCAGAAAAATAAGAAA-3'
Protein context (NP_000978.1, residues 108-128): RLKLDKDRKK[Ile118Phe]LERKAKSRQV